The following is an entry in ClinVar:

NM_177550.5(SLC13A5):c.1281G>A (p.Ser427=)

Gene: SLC13A5 (solute carrier family 13 member 5; minus strand). Cytogenetic location: 17p13.1.
Variant type: single nucleotide variant.
Coding change: c.1281G>A on transcript NM_177550.5 (MANE Select); coding-DNA position 1281, G replaced by A.
Protein change: p.Ser427=; no amino-acid change (serine 427 retained).
Molecular consequence: synonymous variant.
Genome position (GRCh38, 1-based): chr17:6,690,935, C>T on the plus strand (G>A on the coding strand, the complement: SLC13A5 is on the minus strand). VCF-style: chr17-6690935-C-T. GRCh37 (hg19) VCF-style: chr17-6594254-C-T.
Other names: c.1281G>A, p.Ser427= (NM_001143838.3); c.1230G>A, p.Ser410= (NM_001284509.2); c.1152G>A, p.Ser384= (NM_001284510.2).
Identifiers: ClinVar variation 386959 (VCV000386959.6), dbSNP rs377534564, ClinGen allele CA8331425.

ClinVar aggregate classification (germline): Likely benign. Review status: criteria provided, multiple submitters, no conflicts (2 of 4 stars). 2 submissions from 2 submitters: Likely benign (2). Last evaluated 2022-10-08.

Conditions:
Developmental and epileptic encephalopathy, 25 (DEE25). Also called: Epileptic encephalopathy, early infantile, 25; Developmental and epileptic encephalopathy 25, with amelogenesis imperfecta; Epileptic encephalopathy, early infantile, 25, with amelogenesis imperfecta. Identifiers: Orphanet 442835, MedGen C4014621, MONDO:0014392, OMIM 615905.

Allele frequency attached by ClinVar (database versions not stated): gnomAD exomes 0.00002; ExAC 0.00003; gnomAD 0.00003; TOPMed 0.00004; ESP Exome Variant Server 0.00015.
gnomAD v4.1: 34 of 1,604,720 alleles (0.0021%); highest among the groups gnomAD compares: Admixed American, 0.0067%; no homozygotes.

Submissions (2):

Labcorp Genetics (formerly Invitae), Labcorp
Classification: Likely benign for Developmental and epileptic encephalopathy, 25. Last evaluated: 2022-10-08. Review status: criteria provided, single submitter. Criteria: Invitae Variant Classification Sherloc (09022015). Collection method: clinical testing. Allele origin: germline.

GeneDx
Classification: Likely benign. Last evaluated: 2016-06-15. Review status: criteria provided, single submitter. Criteria: GeneDx Variant Classification (06012015). Collection method: clinical testing. Allele origin: germline. Affected: yes.
Comment: This variant is considered likely benign or benign based on one or more of the following criteria: it is a conservative change, it occurs at a poorly conserved position in the protein, it is predicted to be benign by multiple in silico algorithms, and/or has population frequency not consistent with disease.